The following is an entry in ClinVar:

ClinVar aggregate classification (germline): Uncertain significance. Review status: criteria provided, multiple submitters, no conflicts (2 of 4 stars). 2 submissions from 2 submitters: Uncertain significance (2). Last evaluated 2024-12-02.

Conditions:
Inborn genetic diseases. Identifiers: MedGen C0950123, MeSH D030342.

Allele frequency attached by ClinVar (database versions not stated): ExAC 0.00001; TOPMed 0.00001; gnomAD 0.00003.

Submissions (2):

Labcorp Genetics (formerly Invitae), Labcorp
Classification: Uncertain significance. Last evaluated: 2024-12-02. Review status: criteria provided, single submitter. Criteria: Invitae Variant Classification Sherloc (09022015). Collection method: clinical testing. Allele origin: germline.
Comment: This sequence change replaces arginine, which is basic and polar, with glutamine, which is neutral and polar, at codon 54 of the NDUFS8 protein (p.Arg54Gln). This variant is present in population databases (rs764045667, gnomAD 0.007%). This variant has not been reported in the literature in individuals affected with NDUFS8-related conditions. ClinVar contains an entry for this variant (Variation ID: 1904094). An algorithm developed to predict the effect of missense changes on protein structure and function outputs the following: PolyPhen-2: "Benign". The glutamine amino acid residue is found in multiple mammalian species, which suggests that this missense change does not adversely affect protein function. This variant disrupts the p.Arg54 amino acid residue in NDUFS8. Other variant(s) that disrupt this residue have been determined to be pathogenic (PMID: 23430795, 32445240). This suggests that this residue is clinically significant, and that variants that disrupt this residue are likely to be disease-causing. In summary, the available evidence is currently insufficient to determine the role of this variant in disease. Therefore, it has been classified as a Variant of Uncertain Significance.

Ambry Genetics
Classification: Uncertain significance for Inborn genetic diseases. Last evaluated: 2023-05-04. Review status: criteria provided, single submitter. Criteria: Ambry Variant Classification Scheme 2023. Collection method: clinical testing. Allele origin: germline.

Literature cited by the submitters: PubMed 23430795 (cited by Labcorp Genetics (formerly Invitae), Labcorp); PubMed 32445240 (cited by Labcorp Genetics (formerly Invitae), Labcorp).

NM_002496.4(NDUFS8):c.161G>A (p.Arg54Gln)

Gene: NDUFS8 (NADH:ubiquinone oxidoreductase core subunit S8; plus strand). Cytogenetic location: 11q13.2.
Variant type: single nucleotide variant.
Coding change: c.161G>A on transcript NM_002496.4 (MANE Select); coding-DNA position 161, G replaced by A.
Protein change: p.Arg54Gln; replaces arginine 54 with glutamine.
Molecular consequence: missense variant.
Genome position (GRCh38, 1-based): chr11:68,032,974, G>A. VCF-style: chr11-68032974-G-A. GRCh37 (hg19) VCF-style: chr11-67800441-G-A.
Other names: c.161G>A (NM_002496.3); short protein forms R54Q.
Identifiers: ClinVar variation 1904094 (VCV001904094.7), dbSNP rs764045667, ClinGen allele CA6146389.